The following is an entry in ClinVar:

ClinVar aggregate classification (germline): Conflicting classifications of pathogenicity. Review status: criteria provided, conflicting classifications (1 of 4 stars). 2 submissions from 2 submitters: Likely pathogenic (1); Uncertain significance (1). Last evaluated 2026-09-01.

Conditions:
Hypophosphatasia. Also called: Phosphoethanol-aminuria. Identifiers: Orphanet 436, MedGen C0020630, MeSH D007014, MONDO:0018570.

Submissions (2):

Genomenon, Inc
Classification: Uncertain significance for Hypophosphatasia. Last evaluated: 2026-09-01. Review status: criteria provided, single submitter. Criteria: Genomenon Sequence Variant Interpretation Standards - Updated. Collection method: curation. Allele origin: germline. Affected: no.
Comment: ALPL p.Ala377Thr (c.1129G>A) is a missense variant that changes the amino acid at codon 377 from Alanine to Threonine. This variant has been reported in the published literature (PMID:39983296). It is absent or not present at a significant frequency in gnomAD. In silico models predict that this variant is possibly or probably damaging. In conclusion, we classify ALPL p.Ala377Thr (c.1129G>A) as a variant of uncertain significance.

Labcorp Genetics (formerly Invitae), Labcorp
Classification: Likely pathogenic. Last evaluated: 2025-08-17. Review status: criteria provided, single submitter. Criteria: Invitae Variant Classification Sherloc (09022015). Collection method: clinical testing. Allele origin: germline.
Comment: This sequence change replaces alanine, which is neutral and non-polar, with threonine, which is neutral and polar, at codon 377 of the ALPL protein (p.Ala377Thr). This variant is not present in population databases (gnomAD no frequency). This variant has not been reported in the literature in individuals affected with ALPL-related conditions. Invitae Evidence Modeling of protein sequence and biophysical properties (such as structural, functional, and spatial information, amino acid conservation, physicochemical variation, residue mobility, and thermodynamic stability) indicates that this missense variant is expected to disrupt ALPL protein function with a positive predictive value of 95%. This variant disrupts the p.Ala377 amino acid residue in ALPL. Other variant(s) that disrupt this residue have been determined to be pathogenic (PMID: 31707452, 32160374). This suggests that this residue is clinically significant, and that variants that disrupt this residue are likely to be disease-causing. In summary, the currently available evidence indicates that the variant is pathogenic, but additional data are needed to prove that conclusively. Therefore, this variant has been classified as Likely Pathogenic.

Literature cited by the submitters: PubMed 39983296 (cited by Genomenon, Inc); PubMed 31707452 (cited by Labcorp Genetics (formerly Invitae), Labcorp); PubMed 32160374 (cited by Labcorp Genetics (formerly Invitae), Labcorp).

NM_000478.6(ALPL):c.1129G>A (p.Ala377Thr)

Gene: ALPL (alkaline phosphatase, biomineralization associated; plus strand). Cytogenetic location: 1p36.12.
Variant type: single nucleotide variant.
Coding change: c.1129G>A on transcript NM_000478.6 (MANE Select); coding-DNA position 1129, G replaced by A.
Protein change: p.Ala377Thr; replaces alanine 377 with threonine.
Molecular consequence: missense variant.
Genome position (GRCh38, 1-based): chr1:21,575,864, G>A. VCF-style: chr1-21575864-G-A. GRCh37 (hg19) VCF-style: chr1-21902357-G-A.
Other names: c.964G>A, p.Ala322Thr (NM_001127501.4); c.898G>A, p.Ala300Thr (NM_001177520.3); c.1129G>A, p.Ala377Thr (NM_001369803.2, NM_001369804.2, NM_001369805.2); short protein forms A300T, A322T, A377T.
Identifiers: ClinVar variation 4802043 (VCV004802043.2).
Genomic context (GRCh38, chr1:21,575,864, plus strand): 5'-CGGGCCATCGGGCAGGCAGGCAGCTTGACCTCCTCGGAAGACACTCTGACCGTGGTCACT[G>A]CGGACCATTCCCACGTCTTCACATTTGGTGGATACACCCCCCGTGGCAACTCTATCTTTG-3'
Protein context (NP_000469.3, residues 367-387): SSEDTLTVVT[Ala377Thr]DHSHVFTFGG